The following is an entry in ClinVar:

NM_001079668.3(NKX2-1):c.391C>T (p.Gln131Ter)

Genes: NKX2-1 (NK2 homeobox 1; minus strand), SFTA3 (surfactant associated 3; minus strand). Cytogenetic location: 14q13.3.
Variant type: single nucleotide variant.
Coding change: c.391C>T on transcript NM_001079668.3 (MANE Select); coding-DNA position 391, C replaced by T.
Protein change: p.Gln131Ter; replaces glutamine 131 with a stop codon.
Molecular consequence: nonsense.
Genome position (GRCh38, 1-based): chr14:36,519,057, G>A on the plus strand (C>T on the coding strand, the complement: NKX2-1 is on the minus strand). VCF-style: chr14-36519057-G-A. GRCh37 (hg19) VCF-style: chr14-36988262-G-A.
Other names: c.301C>T, p.Gln101Ter (NM_003317.4); short protein forms Q101*, Q131*.
Identifiers: ClinVar variation 1454955 (VCV001454955.32), dbSNP rs2139411590, ClinGen allele CA389460547.

ClinVar aggregate classification (germline): Pathogenic. Review status: criteria provided, multiple submitters, no conflicts (2 of 4 stars). 2 submissions from 2 submitters: Pathogenic (2). Last evaluated 2023-07-01.

Submissions (2):

CeGaT Center for Human Genetics Tuebingen
Classification: Pathogenic. Last evaluated: 2023-07-01. Review status: criteria provided, single submitter. Criteria: CeGaT Center For Human Genetics Tuebingen Variant Classification Criteria Version 2. Collection method: clinical testing. Allele origin: germline. Affected: yes. Observed: 1 variant allele.
Comment: NKX2-1: PS2, PVS1:Strong, PM2, PP4:Moderate

Labcorp Genetics (formerly Invitae), Labcorp
Classification: Pathogenic. Last evaluated: 2021-03-12. Review status: criteria provided, single submitter. Criteria: Invitae Variant Classification Sherloc (09022015). Collection method: clinical testing. Allele origin: germline.
Comment: This sequence change creates a premature translational stop signal (p.Gln131*) in the NKX2-1 gene. It is expected to result in an absent or disrupted protein product. Loss-of-function variants in NKX2-1 are known to be pathogenic (PMID: 23430038, 24714694). This variant is not present in population databases (ExAC no frequency). This variant has been observed in individual(s) with choreoathetosis (PMID: 31737037). For these reasons, this variant has been classified as Pathogenic.

Literature cited by the submitters: PubMed 23430038 (cited by Labcorp Genetics (formerly Invitae), Labcorp); PubMed 24714694 (cited by Labcorp Genetics (formerly Invitae), Labcorp); PubMed 31737037 (cited by Labcorp Genetics (formerly Invitae), Labcorp).